The following is an entry in ClinVar:

NM_052947.4(ALPK2):c.761A>T (p.Asp254Val)

Genes: ALPK2 (alpha kinase 2; minus strand), LOC114803473 (ALPK2 eExon liver enhancer; plus strand). Cytogenetic location: 18q21.31.
Variant type: single nucleotide variant.
Coding change: c.761A>T on transcript NM_052947.4 (MANE Select); coding-DNA position 761, A replaced by T.
Protein change: p.Asp254Val; replaces aspartic acid 254 with valine.
Molecular consequence: missense variant.
Genome position (GRCh38, 1-based): chr18:58,580,015, T>A on the plus strand (A>T on the coding strand, the complement: ALPK2 is on the minus strand). VCF-style: chr18-58580015-T-A. GRCh37 (hg19) VCF-style: chr18-56247247-T-A.
Other names: short protein forms D254V.
Identifiers: ClinVar variation 3530547 (VCV003530547.1).

ClinVar aggregate classification (germline): Uncertain significance (1 of 4 stars; one submission).

Submission:

Ambry Genetics
Classification: Uncertain significance. Last evaluated: 2024-06-29. Review status: criteria provided, single submitter. Criteria: Ambry Variant Classification Scheme 2023. Collection method: clinical testing. Allele origin: germline.
Comment: The p.D254V variant (also known as c.761A>T), located in coding exon 3 of the ALPK2 gene, results from an A to T substitution at nucleotide position 761. The aspartic acid at codon 254 is replaced by valine, an amino acid with highly dissimilar properties. This amino acid position is conserved. In addition, this alteration is predicted to be tolerated by in silico analysis. Based on the available evidence, the clinical significance of this variant remains unclear.